The following is an entry in ClinVar:

NM_000096.4(CP):c.3006C>T (p.Ser1002=)

Gene: CP (ceruloplasmin; minus strand). Cytogenetic location: 3q24.
Variant type: single nucleotide variant.
Coding change: c.3006C>T on transcript NM_000096.4 (MANE Select); coding-DNA position 3006, C replaced by T.
Protein change: p.Ser1002=; no amino-acid change (serine 1002 retained).
Molecular consequence: synonymous variant. On other transcripts: non-coding transcript variant (1).
Genome position (GRCh38, 1-based): chr3:149,177,852, G>A on the plus strand (C>T on the coding strand, the complement: CP is on the minus strand). VCF-style: chr3-149177852-G-A. GRCh37 (hg19) VCF-style: chr3-148895639-G-A.
Identifiers: ClinVar variation 767104 (VCV000767104.15), dbSNP rs199877380, ClinGen allele CA2660583.

ClinVar aggregate classification (germline): Conflicting classifications of pathogenicity. Review status: criteria provided, conflicting classifications (1 of 4 stars). 3 submissions from 3 submitters: Uncertain significance (1); Benign (1). 1 of the submissions does not count toward it. Last evaluated 2026-01-16.

Conditions:
CP-related disorder. Also called: CP-related condition.
Deficiency of ferroxidase (ACEP). Also called: Deficiency of ceruloplasmin; NEURODEGENERATION WITH BRAIN IRON ACCUMULATION 10; Ceruloplasmin deficiency; Familial apoceruloplasmin deficiency; Hereditary ceruloplasmin deficiency; Aceruloplasminemia. Identifiers: Orphanet 48818, MedGen C0878682, MONDO:0011426, OMIM 604290, HP:0025498.

Allele frequency attached by ClinVar (database versions not stated): gnomAD 0.00015 and 0.00011; TOPMed 0.00023; ExAC 0.00026; 1000 Genomes Project 0.00080; gnomAD exomes 0.00011 and 0.00038; 1000 Genomes Project 30x 0.00078; ESP Exome Variant Server 0.00008.
gnomAD v4.1: 181 of 1,613,664 alleles (0.011%); highest among the groups gnomAD compares: East Asian, 0.37%; 1 homozygote.

Submissions (3):

Labcorp Genetics (formerly Invitae), Labcorp
Classification: Benign for Deficiency of ferroxidase. Last evaluated: 2026-01-16. Review status: criteria provided, single submitter. Criteria: Invitae Variant Classification Sherloc (09022015). Collection method: clinical testing. Allele origin: germline.

Illumina Laboratory Services, Illumina
Classification: Uncertain significance for Deficiency of ferroxidase. Last evaluated: 2018-01-13. Review status: criteria provided, single submitter. Criteria: ICSL Variant Classification Criteria 13 December 2019. Collection method: clinical testing. Allele origin: germline.

PreventionGenetics, part of Exact Sciences
Classification: Likely benign for CP-related condition. Last evaluated: 2019-08-02. Review status: no assertion criteria provided. Collection method: clinical testing. Allele origin: germline. Not counted in ClinVar's aggregate classification.
Comment: This variant is classified as likely benign based on ACMG/AMP sequence variant interpretation guidelines (Richards et al. 2015 PMID: 25741868, with internal and published modifications).